The following is an entry in ClinVar:

NM_001089.3(ABCA3):c.3122del (p.Leu1041fs)

Gene: ABCA3 (ATP binding cassette subfamily A member 3; minus strand). Cytogenetic location: 16p13.3.
Variant type: Deletion.
Coding change: c.3122del on transcript NM_001089.3 (MANE Select); coding-DNA position 3122, one base deleted (T; older notation c.3122delT).
Protein change: p.Leu1041fs; shifts the reading frame from leucine 1041.
Molecular consequence: frameshift variant.
Genome position (GRCh38, 1-based): chr16:2,286,850, A deleted on the plus strand (T on the coding strand, the reverse complement: ABCA3 is on the minus strand); the first of 2 consecutive A bases (chr16:2,286,850-2,286,851); deleting either gives the same sequence. VCF-style (leftmost placement, unchanged base first): chr16-2286849-CA-C. GRCh37 (hg19) VCF-style: chr16-2336850-CA-C.
Other names: short protein forms L1041fs.
Identifiers: ClinVar variation 5014810 (VCV005014810.1).

ClinVar aggregate classification (germline): Pathogenic (1 of 4 stars; one submission).

Conditions:
Interstitial lung disease due to ABCA3 deficiency. Also called: PULMONARY ALVEOLAR PROTEINOSIS, CONGENITAL, 3. Identifiers: Orphanet 440402, MedGen C1970456, MONDO:0012582, OMIM 610921.

Submission:

Myriad Genetics, Inc.
Classification: Pathogenic for Interstitial lung disease due to ABCA3 deficiency. Last evaluated: 2025-08-03. Review status: criteria provided, single submitter. Criteria: Myriad Autosomal Dominant, Autosomal Recessive and X-Linked Classification Criteria (2023). Collection method: clinical testing. Allele origin: unknown.
Comment: NM_001089.2(ABCA3):c.3122delT(L1041Cfs*93) is expected to be pathogenic in the context of surfactant deficiency, ABCA3-related. This variant is predicted to lead to an abnormal or absent protein product due to the creation of a premature termination codon in ABCA3, a gene where loss-of-function variants are known to be pathogenic. Please note: this variant was assessed in the context of healthy population screening.